The following is an entry in ClinVar:

NM_003482.4(KMT2D):c.6589C>G (p.Pro2197Ala)

Gene: KMT2D (lysine methyltransferase 2D; minus strand). Cytogenetic location: 12q13.12.
Variant type: single nucleotide variant.
Coding change: c.6589C>G on transcript NM_003482.4 (MANE Select); coding-DNA position 6589, C replaced by G.
Protein change: p.Pro2197Ala; replaces proline 2197 with alanine.
Molecular consequence: missense variant.
Genome position (GRCh38, 1-based): chr12:49,041,181, G>C on the plus strand (C>G on the coding strand, the complement: KMT2D is on the minus strand). VCF-style: chr12-49041181-G-C. GRCh37 (hg19) VCF-style: chr12-49434964-G-C.
Other names: short protein forms P2197A.
Identifiers: ClinVar variation 3036727 (VCV003036727.2), dbSNP rs1026412241, ClinGen allele CA384750378.

ClinVar aggregate classification (germline): Uncertain significance (0 of 4 stars; one submission).

Conditions:
KMT2D-related disorder. Also called: KMT2D-Related Disorders.

Submission:

PreventionGenetics, part of Exact Sciences
Classification: Uncertain significance for KMT2D-related condition. Last evaluated: 2024-01-24. Review status: no assertion criteria provided. Collection method: clinical testing. Allele origin: germline.
Comment: The KMT2D c.6589C>G variant is predicted to result in the amino acid substitution p.Pro2197Ala. To our knowledge, this variant has not been reported in the literature or in a large population database, indicating this variant is rare. At this time, the clinical significance of this variant is uncertain due to the absence of conclusive functional and genetic evidence.